The following is an entry in ClinVar:

NM_001844.5(COL2A1):c.3112-2A>G

Gene: COL2A1 (collagen type II alpha 1 chain; minus strand). Cytogenetic location: 12q13.11.
Variant type: single nucleotide variant.
Coding change: c.3112-2A>G on transcript NM_001844.5 (MANE Select); the canonical splice acceptor site of the intron before coding-DNA position 3112, A replaced by G.
Molecular consequence: splice acceptor variant.
Genome position (GRCh38, 1-based): chr12:47,977,655, T>C on the plus strand (A>G on the coding strand, the complement: COL2A1 is on the minus strand). VCF-style: chr12-47977655-T-C. GRCh37 (hg19) VCF-style: chr12-48371438-T-C.
Other names: c.2905-2A>G (NM_033150.3).
Identifiers: ClinVar variation 2027486 (VCV002027486.5), dbSNP rs2540108803, ClinGen allele CA384540603.

ClinVar aggregate classification (germline): Pathogenic/Likely pathogenic. Review status: criteria provided, multiple submitters, no conflicts (2 of 4 stars). 2 submissions from 2 submitters: Pathogenic (1); Likely pathogenic (1). Last evaluated 2025-11-14.

Conditions:
COL2A1-related disorder. Also called: COL2A1-related condition; COL2A1-related disorders.

Submissions (2):

3billion
Classification: Pathogenic for COL2A1-related disorder. Last evaluated: 2025-11-14. Review status: criteria provided, single submitter. Criteria: ACMG Guidelines, 2015. Collection method: clinical testing. Allele origin: germline. Affected: yes.
Comment: The variant is not observed in the gnomAD v4.1.0 dataset. Predicted Consequence/Location: Canonical splice site: predicted to alter splicing and result in a loss or disruption of normal protein function. Multiple pathogenic loss-of-function variants are reported downstream of the variant. The variant has been reported to be associated with COL2A1-related disorder (ClinVar ID: VCV002027486). Therefore, this variant is classified as Pathogenic according to the recommendation of ACMG/AMP guideline.

Labcorp Genetics (formerly Invitae), Labcorp
Classification: Likely pathogenic. Last evaluated: 2022-08-27. Review status: criteria provided, single submitter. Criteria: Invitae Variant Classification Sherloc (09022015). Collection method: clinical testing. Allele origin: germline.
Comment: Algorithms developed to predict the effect of sequence changes on RNA splicing suggest that this variant may disrupt the consensus splice site. In summary, the currently available evidence indicates that the variant is pathogenic, but additional data are needed to prove that conclusively. Therefore, this variant has been classified as Likely Pathogenic. This variant has not been reported in the literature in individuals affected with COL2A1-related conditions. This variant is not present in population databases (gnomAD no frequency). This sequence change affects an acceptor splice site in intron 44 of the COL2A1 gene. It is expected to disrupt RNA splicing. Variants that disrupt the donor or acceptor splice site typically lead to a loss of protein function (PMID: 16199547), and loss-of-function variants in COL2A1 are known to be pathogenic (PMID: 20179744).

Literature cited by the submitters: PubMed 16199547 (cited by Labcorp Genetics (formerly Invitae), Labcorp); PubMed 20179744 (cited by Labcorp Genetics (formerly Invitae), Labcorp).